The following is an entry in ClinVar:

NM_001267550.2(TTN):c.64811G>A (p.Arg21604Gln)

Genes: TTN (titin; minus strand), TTN-AS1 (TTN antisense RNA 1; plus strand). Cytogenetic location: 2q31.2.
Variant type: single nucleotide variant.
Coding change: c.64811G>A on transcript NM_001267550.2 (MANE Select); coding-DNA position 64811, G replaced by A.
Protein change: p.Arg21604Gln; replaces arginine 21604 with glutamine.
Molecular consequence: missense variant. On other transcripts: non-coding transcript variant (1).
Genome position (GRCh38, 1-based): chr2:178,584,830, C>T on the plus strand (G>A on the coding strand, the complement: TTN is on the minus strand). VCF-style: chr2-178584830-C-T. GRCh37 (hg19) VCF-style: chr2-179449557-C-T.
Other names: c.37616G>A, p.Arg12539Gln (NM_003319.4); c.37991G>A, p.Arg12664Gln (NM_133432.3); c.38192G>A, p.Arg12731Gln (NM_133437.4); c.59888G>A, p.Arg19963Gln (NM_001256850.1); c.57107G>A, p.Arg19036Gln (NM_133378.4); short protein forms R19036Q, R21604Q, R19963Q, R12664Q, R12731Q, R12539Q.
Identifiers: ClinVar variation 179043 (VCV000179043.24), dbSNP rs188996850, ClinGen allele CA183598.

ClinVar aggregate classification (germline): Conflicting classifications of pathogenicity. Review status: criteria provided, conflicting classifications (1 of 4 stars). 11 submissions from 11 submitters: Uncertain significance (5); Likely benign (6). Last evaluated 2026-09-16.

Conditions:
TTN-related disorder. Also called: TTN-related condition; TTN-related disease; TTN-related disorders.
Cardiovascular phenotype. Identifiers: MedGen CN230736.
Dilated cardiomyopathy 1G (CMD1G). Identifiers: Orphanet 154, MedGen C1858763, MONDO:0011400, OMIM 604145.
Autosomal recessive limb-girdle muscular dystrophy type 2J (LGMDR10). Also called: Limb-girdle muscular dystrophy, type 2J; MUSCULAR DYSTROPHY, LIMB-GIRDLE, AUTOSOMAL RECESSIVE 10. Identifiers: Orphanet 140922, MedGen C1837342, MONDO:0012127, OMIM 608807.
Cardiomyopathy (CMYO). Also called: Cardiomyopathies. Identifiers: Orphanet 167848, MedGen C0878544, MONDO:0004994, HP:0001638. Inheritance: Various modes of inheritance.

Allele frequency attached by ClinVar (database versions not stated): ExAC 0.00008; gnomAD exomes 0.00012; gnomAD 0.00024 and 0.00026; 1000 Genomes Project 0.00060; TOPMed 0.00071; 1000 Genomes Project 30x 0.00094.
gnomAD v4.1: 96 of 1,613,340 alleles (0.006%); highest among the groups gnomAD compares: Admixed American, 0.098%; no homozygotes.

Submissions (11):

PreventionGenetics, part of Exact Sciences
Classification: Uncertain significance for TTN-related condition. Last evaluated: 2026-09-16. Review status: criteria provided, single submitter. Criteria: ACMG Guidelines, 2015. Collection method: clinical testing. Allele origin: germline.
Comment: The TTN c.64811G>A variant is predicted to result in the amino acid substitution p.Arg21604Gln. This variant has been reported in a study investigating variants in cardiac channelopathy and cardiomyopathy genes in stillbirth (Dolanc Merc et al. 2024. PubMed ID: 38813989). This variant is reported in 0.11% of alleles in individuals of East Asian descent in gnomAD. Although we suspect that this variant may be benign, at this time, the clinical significance of this variant is uncertain due to the absence of conclusive functional and genetic evidence.

Women's Health and Genetics/Laboratory Corporation of America, LabCorp
Classification: Likely benign. Last evaluated: 2026-04-13. Review status: criteria provided, single submitter. Criteria: LabCorp Variant Classification Summary - May 2015. Collection method: clinical testing. Allele origin: germline.
Comment: Variant summary: TTN c.57107G>A (p.Arg19036Gln) results in a conservative amino acid change in the encoded protein sequence. Algorithms developed to predict the effect of missense changes on protein structure and function are either unavailable or do not agree on the potential impact of this missense change. The variant allele was found at a frequency of 0.00012 in 248302 control chromosomes, predominantly at a frequency of 0.0012 within the East Asian subpopulation in the gnomAD database. The observed variant frequency within East Asian control individuals in the gnomAD database exceeds the estimated maximal expected allele frequency for disease-causing variants in TTN. To our knowledge, no occurrence of c.57107G>A in individuals affected with TTN-related conditions and no experimental evidence demonstrating its impact on protein function have been reported. ClinVar contains an entry for this variant (Variation ID: 179043). Based on the evidence outlined above, the variant was classified as likely benign.

ARUP Laboratories, Molecular Genetics and Genomics, ARUP Laboratories
Classification: Uncertain significance. Last evaluated: 2024-06-27. Review status: criteria provided, single submitter. Criteria: ARUP Molecular Germline Variant Investigation Process 2024. Collection method: clinical testing. Allele origin: germline.
Comment: The TTN c.64811G>A; p.Arg21604Gln variant (rs188996850; ClinVar Variation ID: 179043) is rare in the general population (<0.2% allele frequency in the Genome Aggregation Database) and has not been reported in the medical literature in association with dilated cardiomyopathy (DCM) or other TTN-related disease. The clinical relevance of rare missense variants in this gene, which are identified on average once per individual sequenced in affected populations (Herman 2012), is not well understood. Yet, evidence suggests that the vast majority of such missense variants do not contribute to the clinical outcome of DCM (Begay 2015). Thus, the clinical significance of the p.Arg21604Gln variant cannot be determined with certainty. References: Begay RL et al. Role of Titin Missense Variants in Dilated Cardiomyopathy. J Am Heart Assoc. 2015 Nov 13;4(11). PMID: 26567375. Herman DS et al. Truncations of titin causing dilated cardiomyopathy. N Engl J Med. 2012 Feb 16;366(7):619-28. PMID: 22335739. Linke WA and Hamdani N. Gigantic business: titin properties and function through thick and thin. Circ Res 2014; 114(6): 1052-1068. PMID: 24625729.

Blueprint Genetics
Classification: Likely benign. Last evaluated: 2023-06-19. Review status: criteria provided, single submitter. Criteria: ACMG Guidelines, 2015. Collection method: clinical testing. Allele origin: germline.

Revvity Omics, Revvity
Classification: Likely benign. Last evaluated: 2023-02-24. Review status: criteria provided, single submitter. Criteria: ACMG Guidelines, 2015. Collection method: clinical testing. Allele origin: germline.

GeneDx
Classification: Likely benign. Last evaluated: 2020-12-03. Review status: criteria provided, single submitter. Criteria: GeneDx Variant Classification Process June 2021. Collection method: clinical testing. Allele origin: germline. Affected: yes.

Ambry Genetics
Classification: Likely benign for Cardiovascular phenotype. Last evaluated: 2020-03-05. Review status: criteria provided, single submitter. Criteria: Ambry Variant Classification Scheme 2023. Collection method: clinical testing. Allele origin: germline.

Eurofins Ntd Llc (ga)
Classification: Uncertain significance. Last evaluated: 2018-06-12. Review status: criteria provided, single submitter. Criteria: EGL ClinVar v180209 classification definitions. Collection method: clinical testing. Allele origin: germline. Observed: 1 variant allele, 1 heterozygote.

Labcorp Genetics (formerly Invitae), Labcorp
Classification: Uncertain significance for Dilated cardiomyopathy 1G; Autosomal recessive limb-girdle muscular dystrophy type 2J. Last evaluated: 2018-01-03. Review status: criteria provided, single submitter. Criteria: Invitae Variant Classification Sherloc (09022015). Collection method: clinical testing. Allele origin: germline.

CHEO Genetics Diagnostic Laboratory, Children's Hospital of Eastern Ontario
Classification: Uncertain significance for Cardiomyopathy. Last evaluated: 2016-09-12. Review status: criteria provided, single submitter. Criteria: ACMG Guidelines, 2015. Collection method: clinical testing. Allele origin: germline. Study: Canadian Open Genetics Repository.

Laboratory for Molecular Medicine, Mass General Brigham Personalized Medicine
Classification: Likely benign. Last evaluated: 2013-06-14. Review status: criteria provided, single submitter. Criteria: LMM Criteria. Collection method: clinical testing. Allele origin: germline. Observed: 1 variant allele.
Comment: Arg19036Gln in exon 259 of TTN: This variant is not expected to have clinical si gnificance because it has been identified in 2.7% (3/110) of Puerto Rican chromo somes by the 1000 Genomes Project (dbSNP rs188996850). In addition, several othe r species (guinea pig, tetradon, fugu, and medaka) carry a glutamine (Gln) at th is position. Arg19036Gln in exon 259 of TTN (rs188996850; allele frequency = 2. 7%, 3/110)